The following is an entry in ClinVar:

ClinVar aggregate classification (germline): Uncertain significance (1 of 4 stars; one submission).

Allele frequency attached by ClinVar (database versions not stated): gnomAD 0.00002; TOPMed 0.00002; ExAC 0.00006; gnomAD exomes 0.00021.
gnomAD v4.1: 125 of 708,260 alleles (0.018%); highest among the groups gnomAD compares: Non-Finnish European, 0.023%; no homozygotes.

Submission:

Labcorp Genetics (formerly Invitae), Labcorp
Classification: Uncertain significance. Last evaluated: 2025-06-09. Review status: criteria provided, single submitter. Criteria: Invitae Variant Classification Sherloc (09022015). Collection method: clinical testing. Allele origin: germline.
Comment: This sequence change replaces glutamine, which is neutral and polar, with arginine, which is basic and polar, at codon 788 of the BRD4 protein (p.Gln788Arg). This variant is present in population databases (rs202111625, gnomAD 0.01%). This variant has not been reported in the literature in individuals affected with BRD4-related conditions. ClinVar contains an entry for this variant (Variation ID: 2147806). An algorithm developed to predict the effect of missense changes on protein structure and function (PolyPhen-2) suggests that this variant is likely to be tolerated. In summary, the available evidence is currently insufficient to determine the role of this variant in disease. Therefore, it has been classified as a Variant of Uncertain Significance.

NM_001379291.1(BRD4):c.2363A>G (p.Gln788Arg)

Gene: BRD4 (bromodomain containing 4; minus strand). Cytogenetic location: 19p13.12.
Variant type: single nucleotide variant.
Coding change: c.2363A>G on transcript NM_001379291.1 (MANE Select); coding-DNA position 2363, A replaced by G.
Protein change: p.Gln788Arg; replaces glutamine 788 with arginine.
Molecular consequence: missense variant.
Genome position (GRCh38, 1-based): chr19:15,244,449, T>C on the plus strand (A>G on the coding strand, the complement: BRD4 is on the minus strand). VCF-style: chr19-15244449-T-C. GRCh37 (hg19) VCF-style: chr19-15355260-T-C.
Other names: c.2363A>G, p.Gln788Arg (NM_058243.3); short protein forms Q788R.
Identifiers: ClinVar variation 2147806 (VCV002147806.4), dbSNP rs202111625, ClinGen allele CA9264964.